The following is an entry in ClinVar:

ClinVar aggregate classification (germline): Uncertain significance. Review status: criteria provided, multiple submitters, no conflicts (2 of 4 stars). 4 submissions from 4 submitters: Uncertain significance (4). Last evaluated 2024-12-23.

Conditions:
Cardiovascular phenotype. Identifiers: MedGen CN230736.
Cardiomyopathy (CMYO). Also called: Cardiomyopathies. Identifiers: Orphanet 167848, MedGen C0878544, MONDO:0004994, HP:0001638. Inheritance: Various modes of inheritance.
Hypertrophic cardiomyopathy. Also called: HYPERTROPHIC MYOCARDIOPATHY. Identifiers: Orphanet 217569, MedGen C0007194, MeSH D002312, MONDO:0005045, HP:0001639.

Allele frequency attached by ClinVar (database versions not stated): gnomAD exomes below 0.00001.
gnomAD v4.1: 1 of 1,614,026 alleles (0.000062%); highest among the groups gnomAD compares: Non-Finnish European, 0.000085%; no homozygotes.

Submissions (4):

Ambry Genetics
Classification: Uncertain significance for Cardiovascular phenotype. Last evaluated: 2024-12-23. Review status: criteria provided, single submitter. Criteria: Ambry Variant Classification Scheme 2023. Collection method: clinical testing. Allele origin: germline.
Comment: The p.A552T variant (also known as c.1654G>A), located in coding exon 18 of the MYBPC3 gene, results from a G to A substitution at nucleotide position 1654. The alanine at codon 552 is replaced by threonine, an amino acid with similar properties. This amino acid position is highly conserved in available vertebrate species. In addition, this alteration is predicted to be tolerated by in silico analysis. Based on the available evidence, the clinical significance of this variant remains unclear.

Labcorp Genetics (formerly Invitae), Labcorp
Classification: Uncertain significance for Hypertrophic cardiomyopathy. Last evaluated: 2024-04-04. Review status: criteria provided, single submitter. Criteria: Invitae Variant Classification Sherloc (09022015). Collection method: clinical testing. Allele origin: germline.
Comment: This sequence change replaces alanine, which is neutral and non-polar, with threonine, which is neutral and polar, at codon 552 of the MYBPC3 protein (p.Ala552Thr). This variant is not present in population databases (gnomAD no frequency). This variant has not been reported in the literature in individuals affected with MYBPC3-related conditions. ClinVar contains an entry for this variant (Variation ID: 1040167). An algorithm developed to predict the effect of missense changes on protein structure and function (PolyPhen-2) suggests that this variant is likely to be disruptive. In summary, the available evidence is currently insufficient to determine the role of this variant in disease. Therefore, it has been classified as a Variant of Uncertain Significance.

Color Diagnostics, LLC DBA Color Health
Classification: Uncertain significance for Cardiomyopathy. Last evaluated: 2024-03-07. Review status: criteria provided, single submitter. Criteria: ACMG Guidelines, 2015. Collection method: clinical testing. Allele origin: germline.
Comment: This missense variant replaces alanine with threonine at codon 552 of the MYBPC3 protein. Computational prediction suggests that this variant may not impact protein structure and function (internally defined REVEL score threshold <= 0.5, PMID: 27666373). To our knowledge, functional studies have not been reported for this variant. This variant has not been reported in individuals affected with cardiovascular disorders in the literature. This variant has not been identified in the general population by the Genome Aggregation Database (gnomAD). The available evidence is insufficient to determine the role of this variant in disease conclusively. Therefore, this variant is classified as a Variant of Uncertain Significance.

All of Us Research Program, National Institutes of Health
Classification: Uncertain significance for Hypertrophic cardiomyopathy. Last evaluated: 2023-11-30. Review status: criteria provided, single submitter. Criteria: ACMG Guidelines, 2015. Collection method: clinical testing. Allele origin: germline. Inheritance: Autosomal dominant inheritance. Observed: 1 variant allele, 1 heterozygote.
Comment: This missense variant replaces alanine with threonine at codon 552 of the MYBPC3 protein. Computational prediction suggests that this variant may not impact protein structure and function (internally defined REVEL score threshold <= 0.5, PMID: 27666373). To our knowledge, functional studies have not been reported for this variant. This variant has not been reported in individuals affected with cardiovascular disorders in the literature. This variant has not been identified in the general population by the Genome Aggregation Database (gnomAD). The available evidence is insufficient to determine the role of this variant in disease conclusively. Therefore, this variant is classified as a Variant of Uncertain Significance.

This study involves interpretation of variants in research participants for the purpose of population health screening. Participant phenotype was not available at the time of variant classification. Additional details can be found in publication PMID: 35346344, PMCID: PMC8962531

NM_000256.3(MYBPC3):c.1654G>A (p.Ala552Thr)

Gene: MYBPC3 (myosin binding protein C3; minus strand). Cytogenetic location: 11p11.2.
Variant type: single nucleotide variant.
Coding change: c.1654G>A on transcript NM_000256.3 (MANE Select); coding-DNA position 1654, G replaced by A.
Protein change: p.Ala552Thr; replaces alanine 552 with threonine.
Molecular consequence: missense variant.
Genome position (GRCh38, 1-based): chr11:47,342,127, C>T on the plus strand (G>A on the coding strand, the complement: MYBPC3 is on the minus strand). VCF-style: chr11-47342127-C-T. GRCh37 (hg19) VCF-style: chr11-47363678-C-T.
Other names: short protein forms A552T.
Identifiers: ClinVar variation 1040167 (VCV001040167.13), dbSNP rs727504887, ClinGen allele CA380324440.